The following is an entry in ClinVar:

NM_001131016.2(CIZ1):c.2594G>A (p.Arg865His)

Gene: CIZ1 (CDKN1A interacting zinc finger protein 1; minus strand). Cytogenetic location: 9q34.11.
Variant type: single nucleotide variant.
Coding change: c.2594G>A on transcript NM_001131016.2 (MANE Select); coding-DNA position 2594, G replaced by A.
Protein change: p.Arg865His; replaces arginine 865 with histidine.
Molecular consequence: missense variant.
Genome position (GRCh38, 1-based): chr9:128,166,300, C>T on the plus strand (G>A on the coding strand, the complement: CIZ1 is on the minus strand). VCF-style: chr9-128166300-C-T. GRCh37 (hg19) VCF-style: chr9-130928579-C-T.
Other names: c.2426G>A, p.Arg809His (NM_001131015.2); c.2411G>A, p.Arg804His (NM_001131017.2); c.2354G>A, p.Arg785His (NM_001131018.2); c.2762G>A, p.Arg921His (NM_001257975.2); c.2291G>A, p.Arg764His (NM_001257976.2); c.2594G>A, p.Arg865His (NM_012127.3); short protein forms R804H, R865H, R785H, R809H, R764H, R921H.
Identifiers: ClinVar variation 664905 (VCV000664905.10), dbSNP rs369660377, ClinGen allele CA5256963.
Genomic context (GRCh38, chr9:128,166,300, plus strand): 5'-GAGGGTCGAGCCGTCACCTTGCTGGGTGTTTTGTCCTGGGTGTTGGGCTGGGAGGGTGGG[C>T]GGCCGCTGGAGGTGAACAGGGCTGTCAAAGCGTTCCGGGCGTTGATTGCGCACCGGCGGC-3'
Protein context (NP_001124488.1, residues 855-875): ALTALFTSSG[Arg865His]PPSQPNTQDK

ClinVar aggregate classification (germline): Uncertain significance. Review status: criteria provided, multiple submitters, no conflicts (2 of 4 stars). 2 submissions from 2 submitters: Uncertain significance (2). Last evaluated 2025-11-11.

Conditions:
Dystonic disorder. Also called: Dystonia. Identifiers: MedGen C0013421, MONDO:0003441, HP:0001332.

Allele frequency attached by ClinVar (database versions not stated): gnomAD 0.00005; TOPMed 0.00005; gnomAD exomes 0.00006; ESP Exome Variant Server 0.00008; ExAC 0.00011.
gnomAD v4.1: 263 of 1,564,702 alleles (0.017%); highest among the groups gnomAD compares: Non-Finnish European, 0.021%; no homozygotes.

Submissions (2):

Labcorp Genetics (formerly Invitae), Labcorp
Classification: Uncertain significance for Dystonic disorder. Last evaluated: 2025-11-11. Review status: criteria provided, single submitter. Criteria: Invitae Variant Classification Sherloc (09022015). Collection method: clinical testing. Allele origin: germline.
Comment: This sequence change replaces arginine, which is basic and polar, with histidine, which is basic and polar, at codon 865 of the CIZ1 protein (p.Arg865His). This variant is present in population databases (rs369660377, gnomAD 0.008%). This variant has not been reported in the literature in individuals affected with CIZ1-related conditions. ClinVar contains an entry for this variant (Variation ID: 664905). An algorithm developed to predict the effect of missense changes on protein structure and function (PolyPhen-2) suggests that this variant is likely to be disruptive. In summary, the available evidence is currently insufficient to determine the role of this variant in disease. Therefore, it has been classified as a Variant of Uncertain Significance.

Ambry Genetics
Classification: Uncertain significance. Last evaluated: 2023-05-05. Review status: criteria provided, single submitter. Criteria: Ambry Variant Classification Scheme 2023. Collection method: clinical testing. Allele origin: germline.